The following is an entry in ClinVar:

ClinVar aggregate classification (germline): Uncertain significance (1 of 4 stars; one submission).

Submission:

Women's Health and Genetics/Laboratory Corporation of America, LabCorp
Classification: Uncertain significance. Last evaluated: 2026-05-21. Review status: criteria provided, single submitter. Criteria: LabCorp Variant Classification Summary - May 2015. Collection method: clinical testing. Allele origin: germline.
Comment: Variant summary: The variant involves the deletion of exon 1 in the SEPTIN9 gene. A presumed nomenclature of c.(?_-810)_(22+1_23-1)del has been designated for the purposes of this classification. The exact breakpoint at the 5' end of this variant is unknown, therefore this deletion may extend upstream of the annotated region of this gene. Although the exact breakpoints of this deletion are not known, it is predicted to remove the initiation codon and result in an absence of protein or a truncation of the encoded protein due to translation initiation at a downstream site. Current evidence is not sufficient to establish loss of function as a mechanism for disease. The variant was absent in 21694 control chromosomes. The available data on variant occurrences in the general population are insufficient to allow any conclusion about variant significance. To our knowledge, no occurrence of c.(?_-810)_(22+1_23-1)del in individuals affected with SEPTIN9-related conditions and no experimental evidence demonstrating its impact on protein function have been reported. No submitters have cited clinical-significance assessments for this variant to ClinVar. Based on the evidence outlined above, the variant was classified as uncertain significance.

NC_000017.10:g.(?_75315599)_(75316431_75398140)del

Gene: SEPTIN9 (septin 9; plus strand). Cytogenetic location: 17q25.3.
Variant type: Deletion.
Identifiers: ClinVar variation 4853738 (VCV004853738.1).